The following is an entry in ClinVar:

ClinVar aggregate classification (germline): Uncertain significance (1 of 4 stars; one submission).

gnomAD v4.1: 1 of 1,613,796 alleles (0.000062%); highest among the groups gnomAD compares: South Asian, 0.0011%; no homozygotes.

Submission:

Labcorp Genetics (formerly Invitae), Labcorp
Classification: Uncertain significance. Last evaluated: 2025-08-13. Review status: criteria provided, single submitter. Criteria: Invitae Variant Classification Sherloc (09022015). Collection method: clinical testing. Allele origin: germline.
Comment: This sequence change replaces proline, which is neutral and non-polar, with serine, which is neutral and polar, at codon 635 of the COL4A4 protein (p.Pro635Ser). This variant is present in population databases (rs762822768, gnomAD 0.003%). This variant has not been reported in the literature in individuals affected with COL4A4-related conditions. Invitae Evidence Modeling of protein sequence and biophysical properties (such as structural, functional, and spatial information, amino acid conservation, physicochemical variation, residue mobility, and thermodynamic stability) indicates that this missense variant is not expected to disrupt COL4A4 protein function with a negative predictive value of 95%. In summary, the available evidence is currently insufficient to determine the role of this variant in disease. Therefore, it has been classified as a Variant of Uncertain Significance.

NM_000092.5(COL4A4):c.1903C>T (p.Pro635Ser)

Gene: COL4A4 (collagen type IV alpha 4 chain; minus strand). Cytogenetic location: 2q36.3.
Variant type: single nucleotide variant.
Coding change: c.1903C>T on transcript NM_000092.5 (MANE Select); coding-DNA position 1903, C replaced by T.
Protein change: p.Pro635Ser; replaces proline 635 with serine.
Molecular consequence: missense variant.
Genome position (GRCh38, 1-based): chr2:227,077,978, G>A on the plus strand (C>T on the coding strand, the complement: COL4A4 is on the minus strand). VCF-style: chr2-227077978-G-A. GRCh37 (hg19) VCF-style: chr2-227942694-G-A.
Other names: short protein forms P635S.
Identifiers: ClinVar variation 4754000 (VCV004754000.1).
Genomic context (GRCh38, chr2:227,077,978, plus strand): 5'-GGCCCCTCACACCTGGGTGGCCTGGAACTCCTGGGTGGCCTCGCTCTCCTGGTGGACCAG[G>A]AAATCCCAGTCCTGGGGGCCCCACAGGTCCTGCTTTGCCTGGGGGGCCCAGAGGTCCAGG-3'
Protein context (NP_000083.3, residues 625-645): GPVGPPGLGF[Pro635Ser]GPPGERGHPG